The following is an entry in ClinVar:

ClinVar aggregate classification (germline): Uncertain significance (1 of 4 stars; one submission).

Conditions:
Fanconi anemia (FA). Also called: Fanconi's anemia. Identifiers: Orphanet 84, MedGen C0015625, MeSH D005199, MONDO:0019391.

Allele frequency attached by ClinVar (database versions not stated): gnomAD 0.00002.
gnomAD v4.1: 66 of 1,613,992 alleles (0.0041%); highest among the groups gnomAD compares: South Asian, 0.011%; no homozygotes.

Submission:

Labcorp Genetics (formerly Invitae), Labcorp
Classification: Uncertain significance for Fanconi anemia. Last evaluated: 2022-06-17. Review status: criteria provided, single submitter. Criteria: Invitae Variant Classification Sherloc (09022015). Collection method: clinical testing. Allele origin: germline.
Comment: In summary, the available evidence is currently insufficient to determine the role of this variant in disease. Therefore, it has been classified as a Variant of Uncertain Significance. Algorithms developed to predict the effect of sequence changes on RNA splicing suggest that this variant may create or strengthen a splice site. This variant has not been reported in the literature in individuals affected with SLX4-related conditions. This variant is present in population databases (rs753005616, gnomAD 0.006%). This sequence change affects codon 184 of the SLX4 mRNA. It is a 'silent' change, meaning that it does not change the encoded amino acid sequence of the SLX4 protein.

NM_032444.4(SLX4):c.552C>T (p.Ser184=)

Gene: SLX4 (SLX4 structure-specific endonuclease subunit; minus strand). Cytogenetic location: 16p13.3.
Variant type: single nucleotide variant.
Coding change: c.552C>T on transcript NM_032444.4 (MANE Select); coding-DNA position 552, C replaced by T.
Protein change: p.Ser184=; no amino-acid change (serine 184 retained).
Molecular consequence: synonymous variant.
Genome position (GRCh38, 1-based): chr16:3,606,682, G>A on the plus strand (C>T on the coding strand, the complement: SLX4 is on the minus strand). VCF-style: chr16-3606682-G-A. GRCh37 (hg19) VCF-style: chr16-3656683-G-A.
Identifiers: ClinVar variation 2080119 (VCV002080119.4), dbSNP rs753005616, ClinGen allele CA7866825.